The following is an entry in ClinVar:

NM_032043.3(BRIP1):c.42G>A (p.Lys14=)

Gene: BRIP1 (BRCA1 interacting DNA helicase 1; minus strand). Cytogenetic location: 17q23.2.
Variant type: single nucleotide variant.
Coding change: c.42G>A on transcript NM_032043.3 (MANE Select); coding-DNA position 42, G replaced by A.
Protein change: p.Lys14=; no amino-acid change (lysine 14 retained).
Molecular consequence: synonymous variant.
Genome position (GRCh38, 1-based): chr17:61,861,498, C>T on the plus strand (G>A on the coding strand, the complement: BRIP1 is on the minus strand). VCF-style: chr17-61861498-C-T. GRCh37 (hg19) VCF-style: chr17-59938859-C-T.
Identifiers: ClinVar variation 921196 (VCV000921196.15), dbSNP rs2078972704, ClinGen allele CA501151894.

ClinVar aggregate classification (germline): Benign/Likely benign. Review status: criteria provided, multiple submitters, no conflicts (2 of 4 stars). 4 submissions from 4 submitters: Benign (1); Likely benign (3). Last evaluated 2024-08-09.

Conditions:
Hereditary cancer-predisposing syndrome. Also called: Hereditary Cancer Syndrome; Hereditary neoplastic syndrome; Neoplastic Syndromes, Hereditary; Tumor predisposition. Identifiers: Orphanet 140162, MedGen C0027672, MeSH D009386, MONDO:0015356.
Familial cancer of breast. Also called: hereditary breast carcinoma; BREAST CANCER, FAMILIAL; Hereditary breast cancer. Identifiers: Orphanet 227535, MedGen C0346153, MONDO:0016419, OMIM 114480. Disease mechanism: loss of function.
Fanconi anemia complementation group J. Also called: BRIP1-Related Fanconi Anemia. Identifiers: Orphanet 84, MedGen C1836860, MONDO:0012187, OMIM 609054.

Submissions (4):

Myriad Genetics, Inc.
Classification: Benign for Familial cancer of breast. Last evaluated: 2024-08-09. Review status: criteria provided, single submitter. Criteria: Myriad Autosomal Dominant, Autosomal Recessive and X-Linked Classification Criteria (2023). Collection method: clinical testing. Allele origin: unknown.
Comment: This variant is considered benign. This variant is a silent/synonymous amino acid change and it is not expected to impact splicing.

Ambry Genetics
Classification: Likely benign for Hereditary cancer-predisposing syndrome. Last evaluated: 2021-06-28. Review status: criteria provided, single submitter. Criteria: Ambry Variant Classification Scheme 2023. Collection method: clinical testing. Allele origin: germline.

Labcorp Genetics (formerly Invitae), Labcorp
Classification: Likely benign for Familial cancer of breast; Fanconi anemia complementation group J. Last evaluated: 2021-02-26. Review status: criteria provided, single submitter. Criteria: Invitae Variant Classification Sherloc (09022015). Collection method: clinical testing. Allele origin: germline.

Color Diagnostics, LLC DBA Color Health
Classification: Likely benign for Hereditary cancer-predisposing syndrome. Last evaluated: 2019-06-20. Review status: criteria provided, single submitter. Criteria: ACMG Guidelines, 2015. Collection method: clinical testing. Allele origin: germline.